The following is an entry in ClinVar:

ClinVar aggregate classification (germline): Conflicting classifications of pathogenicity. Review status: criteria provided, conflicting classifications (1 of 4 stars). 2 submissions from 2 submitters: Likely pathogenic (1); Uncertain significance (1). Last evaluated 2023-08-29.

Conditions:
Alagille syndrome due to a JAG1 point mutation. Also called: HEPATIC DUCTULAR HYPOPLASIA, SYNDROMATIC; Alagille Syndrome 1; JAG1-Related Alagille Syndrome. Identifiers: Orphanet 261619, Orphanet 52, MedGen C1956125, MONDO:0016862, OMIM 118450.

Allele frequency attached by ClinVar (database versions not stated): TOPMed below 0.00001; ExAC 0.00001.

Submissions (2):

Labcorp Genetics (formerly Invitae), Labcorp
Classification: Uncertain significance for Alagille syndrome due to a JAG1 point mutation. Last evaluated: 2023-08-29. Review status: criteria provided, single submitter. Criteria: Invitae Variant Classification Sherloc (09022015). Collection method: clinical testing. Allele origin: germline.
Comment: In summary, the available evidence is currently insufficient to determine the role of this variant in disease. Therefore, it has been classified as a Variant of Uncertain Significance. Advanced modeling of protein sequence and biophysical properties (such as structural, functional, and spatial information, amino acid conservation, physicochemical variation, residue mobility, and thermodynamic stability) has been performed at Invitae for this missense variant, however the output from this modeling did not meet the statistical confidence thresholds required to predict the impact of this variant on JAG1 protein function. This variant has not been reported in the literature in individuals affected with JAG1-related conditions. This variant is present in population databases (rs768447647, gnomAD 0.006%). This sequence change replaces glutamic acid, which is acidic and polar, with glycine, which is neutral and non-polar, at codon 222 of the JAG1 protein (p.Glu222Gly).

Juno Genomics, Hangzhou Juno Genomics, Inc
Classification: Likely pathogenic for Alagille syndrome due to a JAG1 point mutation. Review status: criteria provided, single submitter. Criteria: ACMG Guidelines, 2015. Collection method: clinical testing. Allele origin: germline. Affected: yes.
Comment: Absent from controls (or at extremely low frequency if recessive) in Genome Aggregation Database.;Multiple lines of computational evidence support a deleterious effect on the gene or gene product.;Missense variant in a gene that has a low rate of benign missense variation.;The prevalence of the variant in affected individuals is significantly increased compared to the prevalence in controls.;Patient's phenotype or family history is highly specific for a disease with a single genetic etiology.

NM_000214.3(JAG1):c.665A>G (p.Glu222Gly)

Gene: JAG1 (jagged canonical Notch ligand 1; minus strand). Cytogenetic location: 20p12.2.
Variant type: single nucleotide variant.
Coding change: c.665A>G on transcript NM_000214.3 (MANE Select); coding-DNA position 665, A replaced by G.
Protein change: p.Glu222Gly; replaces glutamic acid 222 with glycine.
Molecular consequence: missense variant.
Genome position (GRCh38, 1-based): chr20:10,658,497, T>C on the plus strand (A>G on the coding strand, the complement: JAG1 is on the minus strand). VCF-style: chr20-10658497-T-C. GRCh37 (hg19) VCF-style: chr20-10639145-T-C.
Other names: short protein forms E222G.
Identifiers: ClinVar variation 2986497 (VCV002986497.4), dbSNP rs768447647, ClinGen allele CA9765105.